The following is an entry in ClinVar:

ClinVar aggregate classification (germline): Uncertain significance. Review status: criteria provided, multiple submitters, no conflicts (2 of 4 stars). 3 submissions from 3 submitters: Uncertain significance (3). Last evaluated 2025-08-08.

Conditions:
Inborn genetic diseases. Identifiers: MedGen C0950123, MeSH D030342.
Nephrotic syndrome, type 3 (NPHS3). Also called: NEPHROTIC SYNDROME, EARLY-ONSET, TYPE 3. Identifiers: Orphanet 656, MedGen C1853124, MONDO:0012546, OMIM 610725.

Allele frequency attached by ClinVar (database versions not stated): ExAC 0.00004; gnomAD exomes 0.00004; gnomAD 0.00005; TOPMed 0.00008; 1000 Genomes Project 30x 0.00016; ESP Exome Variant Server 0.00016; 1000 Genomes Project 0.00020.
gnomAD v4.1: 65 of 1,611,760 alleles (0.004%); highest among the groups gnomAD compares: Admixed American, 0.032%; no homozygotes.

Submissions (3):

Ambry Genetics
Classification: Uncertain significance for Inborn genetic diseases. Last evaluated: 2025-08-08. Review status: criteria provided, single submitter. Criteria: Ambry Variant Classification Scheme 2023. Collection method: clinical testing. Allele origin: germline.

Fulgent Genetics
Classification: Uncertain significance for Nephrotic syndrome, type 3. Last evaluated: 2024-01-03. Review status: criteria provided, single submitter. Criteria: ACMG Guidelines, 2015. Collection method: clinical testing. Allele origin: germline.

Labcorp Genetics (formerly Invitae), Labcorp
Classification: Uncertain significance. Last evaluated: 2022-08-20. Review status: criteria provided, single submitter. Criteria: Invitae Variant Classification Sherloc (09022015). Collection method: clinical testing. Allele origin: germline.
Comment: This sequence change replaces valine, which is neutral and non-polar, with leucine, which is neutral and non-polar, at codon 378 of the PLCE1 protein (p.Val378Leu). This variant is present in population databases (rs368745117, gnomAD 0.03%). This variant has not been reported in the literature in individuals affected with PLCE1-related conditions. Algorithms developed to predict the effect of missense changes on protein structure and function (SIFT, PolyPhen-2, Align-GVGD) all suggest that this variant is likely to be tolerated. In summary, the available evidence is currently insufficient to determine the role of this variant in disease. Therefore, it has been classified as a Variant of Uncertain Significance.

NM_016341.4(PLCE1):c.1132G>C (p.Val378Leu)

Gene: PLCE1 (phospholipase C epsilon 1; plus strand). Cytogenetic location: 10q23.33.
Variant type: single nucleotide variant.
Coding change: c.1132G>C on transcript NM_016341.4 (MANE Select); coding-DNA position 1132, G replaced by C.
Protein change: p.Val378Leu; replaces valine 378 with leucine.
Molecular consequence: missense variant.
Genome position (GRCh38, 1-based): chr10:94,032,178, G>C. VCF-style: chr10-94032178-G-C. GRCh37 (hg19) VCF-style: chr10-95791935-G-C.
Other names: c.1132G>C, p.Val378Leu (NM_001288989.2); c.1132G>C (NM_016341.3); short protein forms V378L.
Identifiers: ClinVar variation 2040822 (VCV002040822.3), dbSNP rs368745117, ClinGen allele CA5612234.